The following is an entry in ClinVar:

ClinVar aggregate classification (germline): Pathogenic (1 of 4 stars; one submission).

Submission:

Labcorp Genetics (formerly Invitae), Labcorp
Classification: Pathogenic. Last evaluated: 2023-07-08. Review status: criteria provided, single submitter. Criteria: Invitae Variant Classification Sherloc (09022015). Collection method: clinical testing. Allele origin: germline.
Comment: For these reasons, this variant has been classified as Pathogenic. This variant has not been reported in the literature in individuals affected with SLC26A3-related conditions. Information on the frequency of this variant in the gnomAD database is not available, as this variant may be reported differently in the database. This sequence change creates a premature translational stop signal (p.Gln582*) in the SLC26A3 gene. It is expected to result in an absent or disrupted protein product. Loss-of-function variants in SLC26A3 are known to be pathogenic (PMID: 9718329, 21394828).

Literature cited by the submitters: PubMed 9718329; PubMed 21394828.

NM_000111.3(SLC26A3):c.1743_1744delinsAT (p.Gln582Ter)

Gene: SLC26A3 (solute carrier family 26 member 3; minus strand). Cytogenetic location: 7q22.3.
Variant type: Indel.
Coding change: c.1743_1744delinsAT on transcript NM_000111.3 (MANE Select); coding-DNA positions 1743 to 1744, GC replaced by AT.
Protein change: p.Gln582Ter; replaces glutamine 582 with a stop codon.
Molecular consequence: nonsense.
Genome position (GRCh38, 1-based): chr7:107,774,806-107,774,807, GC replaced by AT on the plus strand (GC replaced by AT on the coding strand, the reverse complement: SLC26A3 is on the minus strand). VCF-style: chr7-107774806-GC-AT. GRCh37 (hg19) VCF-style: chr7-107415251-GC-AT.
Other names: short protein forms Q582*.
Identifiers: ClinVar variation 2738372 (VCV002738372.3), dbSNP rs2535454681, ClinGen allele CA2697557513.
Genomic context (GRCh38, chr7:107,774,806, plus strand): 5'-TAATGCATAGAAATGTGGTCAAGGAACTTACTGGTGTCACTTGTAGCAAGCCTTGCTTCT[GC>AT]AGTTTTCGGATTTTCCTCAAAGCTTTGTTGCGCTTGCGTAGAATTCGAAGTGGACTAAAG-3'